The following is an entry in ClinVar:

ClinVar aggregate classification (germline): Uncertain significance (1 of 4 stars; one submission).

gnomAD v4.1: 4 of 1,576,738 alleles (0.00025%); highest among the groups gnomAD compares: Non-Finnish European, 0.00034%; no homozygotes.

Submission:

Labcorp Genetics (formerly Invitae), Labcorp
Classification: Uncertain significance. Last evaluated: 2024-04-05. Review status: criteria provided, single submitter. Criteria: Invitae Variant Classification Sherloc (09022015). Collection method: clinical testing. Allele origin: germline.
Comment: This sequence change replaces glutamic acid, which is acidic and polar, with lysine, which is basic and polar, at codon 137 of the DDX58 protein (p.Glu137Lys). This variant is not present in population databases (gnomAD no frequency). This variant has not been reported in the literature in individuals affected with DDX58-related conditions. An algorithm developed to predict the effect of missense changes on protein structure and function (PolyPhen-2) suggests that this variant is likely to be disruptive. In summary, the available evidence is currently insufficient to determine the role of this variant in disease. Therefore, it has been classified as a Variant of Uncertain Significance.

NM_014314.4(RIGI):c.409G>A (p.Glu137Lys)

Gene: RIGI (RNA sensor RIG-I; minus strand). Cytogenetic location: 9p21.1.
Variant type: single nucleotide variant.
Coding change: c.409G>A on transcript NM_014314.4 (MANE Select); coding-DNA position 409, G replaced by A.
Protein change: p.Glu137Lys; replaces glutamic acid 137 with lysine.
Molecular consequence: missense variant. On other transcripts: 5 prime UTR variant (3).
Genome position (GRCh38, 1-based): chr9:32,493,775, C>T on the plus strand (G>A on the coding strand, the complement: RIGI is on the minus strand). VCF-style: chr9-32493775-C-T. GRCh37 (hg19) VCF-style: chr9-32493773-C-T.
Other names: c.409G>A, p.Glu137Lys (NM_001385913.1, NM_001385907.1, NM_001385909.1); c.-46G>A (NM_001385914.1, NM_001385910.1); c.-53G>A (NM_001385912.1); short protein forms E137K.
Identifiers: ClinVar variation 3620172 (VCV003620172.2).